The following is an entry in ClinVar:

NM_003000.3(SDHB):c.424-37TTC[6]

Gene: SDHB (succinate dehydrogenase complex iron sulfur subunit B; minus strand). Cytogenetic location: 1p36.13.
Variant type: Microsatellite.
Coding change: c.424-37TTC[6] on transcript NM_003000.3 (MANE Select); six copies in a row of the 3-base unit TTC starting at c.424-37; the reference has eight copies in a row; two copies, 6 bases deleted.
Molecular consequence: intron variant.
Genome position (GRCh38, 1-based): chr1:17,027,879-17,027,884, GAAGAA deleted on the plus strand (TTCTTC on the coding strand, the reverse complement: SDHB is on the minus strand); deleting any 6 consecutive bases within chr1:17,027,879-17,027,902 gives the same sequence; the position shown is the placement nearest the transcript's 3' end. VCF-style (leftmost placement, unchanged base first): chr1-17027878-GGAAGAA-G. GRCh37 (hg19) VCF-style: chr1-17354373-GGAAGAA-G.
Other names: c.424-19_424-14delTTCTTC (NM_003000.2, NM_003000.3); c.424-19_424-14del (NM_003000.3).
Identifiers: ClinVar variation 258890 (VCV000258890.34), dbSNP rs34261028, ClinGen allele CA637817.
Genomic context (GRCh38, chr1:17,027,878, plus strand): 5'-CAAATAAGGCTCAATGGATTTGTACTGTGCATAGAAGTTGCTCAAATCCTGTGGTTAAGA[GGAAGAA>G]GAAGAAGAAGAAGAAGAAAAGGATCAGATTCCATCATCACCTCAGCTTTATTTACCCCAT-3'

ClinVar aggregate classification (germline): Benign/Likely benign. Review status: criteria provided, multiple submitters, no conflicts (2 of 4 stars). 12 submissions from 12 submitters: Benign (6); Likely benign (4). 2 of the submissions do not count toward it. Last evaluated 2026-08-01.

Conditions:
Cowden syndrome (CS). Also called: Cowden's disease; Cowden's syndrome; Cowden disease. Identifiers: Orphanet 201, MedGen C0018553, MONDO:0016063. Disease mechanism: gain of function.
Pheochromocytoma. Also called: MAX-Related Hereditary Paraganglioma-Pheochromocytoma Syndrome. Identifiers: Orphanet 29072, MedGen C0031511, MONDO:0008233, OMIM 171300, HP:0002666.
Gastrointestinal stromal tumor. Also called: Gastrointestinal stroma tumor; Gastrointestinal stromal tumor, somatic. Identifiers: Orphanet 44890, MedGen C0238198, MeSH D046152, MONDO:0011719, OMIM 606764, HP:0100723.
Pheochromocytoma/paraganglioma syndrome 4. Also called: CAROTID BODY TUMORS AND MULTIPLE EXTRAADRENAL PHEOCHROMOCYTOMAS; PARAGANGLIOMA, FAMILIAL MALIGNANT; PARAGANGLIOMAS, HEREDITARY EXTRAADRENAL; PHEOCHROMOCYTOMA, FAMILIAL EXTRAADRENAL; Paragangliomas 4; SDHB-Related Hereditary Paraganglioma-Pheochromocytoma Syndrome. Identifiers: Orphanet 29072, MedGen C1861848, MONDO:0007273, OMIM 115310.
Hereditary pheochromocytoma and paraganglioma. Also called: Hereditary pheochromocytoma-paraganglioma; Hereditary Paraganglioma-Pheochromocytoma Syndromes; Hereditary paragangliomas and pheochromocytomas. Identifiers: Orphanet 29072, MedGen C4274332, MONDO:0017366.

Submissions (12):

CeGaT Center for Human Genetics Tuebingen
Classification: Likely benign. Last evaluated: 2026-08-01. Review status: criteria provided, single submitter. Criteria: CeGaT Center For Human Genetics Tuebingen Variant Classification Criteria Version 2. Collection method: clinical testing. Allele origin: germline. Affected: yes. Observed: 6 variant alleles.
Comment: SDHB: BS2

Labcorp Genetics (formerly Invitae), Labcorp
Classification: Benign for Gastrointestinal stromal tumor; Pheochromocytoma/paraganglioma syndrome 4; Pheochromocytoma. Last evaluated: 2026-02-03. Review status: criteria provided, single submitter. Criteria: Invitae Variant Classification Sherloc (09022015). Collection method: clinical testing. Allele origin: germline.

ARUP Laboratories, Molecular Genetics and Genomics, ARUP Laboratories
Classification: Likely benign. Last evaluated: 2025-06-30. Review status: criteria provided, single submitter. Criteria: ARUP Molecular Germline Variant Investigation Process 2024. Collection method: clinical testing. Allele origin: germline.

Myriad Genetics, Inc.
Classification: Benign for Pheochromocytoma/paraganglioma syndrome 4. Last evaluated: 2025-03-12. Review status: criteria provided, single submitter. Criteria: Myriad Autosomal Dominant, Autosomal Recessive and X-Linked Classification Criteria (2023). Collection method: clinical testing. Allele origin: unknown.
Comment: This variant is considered benign. This variant is intronic and is not expected to impact mRNA splicing.

Center for Genomic Medicine, Rigshospitalet, Copenhagen University Hospital
Classification: Likely benign. Last evaluated: 2025-03-04. Review status: criteria provided, single submitter. Criteria: ACMG Guidelines, 2015. Collection method: clinical testing. Allele origin: germline.

Blueprint Genetics
Classification: Likely benign. Last evaluated: 2024-11-15. Review status: criteria provided, single submitter. Criteria: ACMG Guidelines, 2015. Collection method: clinical testing. Allele origin: germline.

Department of Pathology and Laboratory Medicine, Sinai Health System
Classification: Benign for Cowden syndrome. Last evaluated: 2024-10-16. Review status: criteria provided, single submitter. Criteria: ACMG Guidelines, 2015. Collection method: clinical testing. Allele origin: germline. Affected: yes.

Color Diagnostics, LLC DBA Color Health
Classification: Benign for Hereditary pheochromocytoma and paraganglioma. Last evaluated: 2022-08-17. Review status: criteria provided, single submitter. Criteria: ACMG Guidelines, 2015. Collection method: clinical testing. Allele origin: germline.

GeneDx
Classification: Benign. Last evaluated: 2015-03-03. Review status: criteria provided, single submitter. Criteria: GeneDx Variant Classification Process June 2021. Collection method: clinical testing. Allele origin: germline. Affected: yes.

PreventionGenetics, part of Exact Sciences
Classification: Benign. Review status: criteria provided, single submitter. Criteria: ACMG Guidelines, 2015. Collection method: clinical testing. Allele origin: germline.

Genome Diagnostics Laboratory, Amsterdam University Medical Center
Classification: Likely benign. Review status: no assertion criteria provided. Collection method: clinical testing. Allele origin: germline. Affected: yes. Study: VKGL Data-share Consensus. Not counted in ClinVar's aggregate classification.

Genome Diagnostics Laboratory, University Medical Center Utrecht
Classification: Benign. Review status: no assertion criteria provided. Collection method: clinical testing. Allele origin: germline. Affected: yes. Study: VKGL Data-share Consensus. Not counted in ClinVar's aggregate classification.